The following is an entry in ClinVar:

NM_138691.3(TMC1):c.1696C>G (p.Pro566Ala)

Gene: TMC1 (transmembrane channel like 1; plus strand). Cytogenetic location: 9q21.13.
Variant type: single nucleotide variant.
Coding change: c.1696C>G on transcript NM_138691.3 (MANE Select); coding-DNA position 1696, C replaced by G.
Protein change: p.Pro566Ala; replaces proline 566 with alanine.
Molecular consequence: missense variant.
Genome position (GRCh38, 1-based): chr9:72,816,143, C>G. VCF-style: chr9-72816143-C-G. GRCh37 (hg19) VCF-style: chr9-75431059-C-G.
Other names: short protein forms P566A.
Identifiers: ClinVar variation 1190803 (VCV001190803.3), dbSNP rs2118284014, ClinGen allele CA373668194.

ClinVar aggregate classification (germline): Conflicting classifications of pathogenicity. Review status: criteria provided, conflicting classifications (1 of 4 stars). 2 submissions from 2 submitters: Likely pathogenic (1); Uncertain significance (1). Last evaluated 2026-05-21.

gnomAD v4.1: 17 of 1,613,276 alleles (0.0011%); highest among the groups gnomAD compares: Non-Finnish European, 0.0014%; no homozygotes.

Submissions (2):

Women's Health and Genetics/Laboratory Corporation of America, LabCorp
Classification: Uncertain significance. Last evaluated: 2026-05-21. Review status: criteria provided, single submitter. Criteria: LabCorp Variant Classification Summary - May 2015. Collection method: clinical testing. Allele origin: germline.
Comment: Variant summary: TMC1 c.1696C>G (p.Pro566Ala) results in a non-conservative amino acid change in the encoded protein sequence. Algorithms developed to predict the effect of missense changes on protein structure and function are either unavailable or do not agree on the potential impact of this missense change. Consensus agreement among computation tools predict no significant impact on normal splicing. However, these predictions have yet to be confirmed by functional studies. The variant was absent in 251340 control chromosomes. The available data on variant occurrences in the general population are insufficient to allow any conclusion about variant significance. To our knowledge, no occurrence of c.1696C>G in individuals affected with TMC1-related conditions and no experimental evidence demonstrating its impact on protein function have been reported. ClinVar contains an entry for this variant (Variation ID: 1190803). Based on the evidence outlined above, the variant was classified as uncertain significance.

GeneDx
Classification: Likely pathogenic. Last evaluated: 2020-12-19. Review status: criteria provided, single submitter. Criteria: GeneDx Variant Classification Process June 2021. Collection method: clinical testing. Allele origin: germline. Affected: yes.
Comment: Not observed in large population cohorts (Lek et al., 2016); In silico analysis, which includes protein predictors and evolutionary conservation, supports a deleterious effect; Has not been previously published as pathogenic or benign to our knowledge